The following is an entry in ClinVar:

NM_001270508.2(TNFAIP3):c.468dup (p.Leu157fs)

Gene: TNFAIP3 (TNF alpha induced protein 3; plus strand). Cytogenetic location: 6q23.3.
Variant type: Duplication.
Coding change: c.468dup on transcript NM_001270508.2 (MANE Select); coding-DNA position 468, one base duplicated (G; older notation c.468dupG).
Protein change: p.Leu157fs; shifts the reading frame from leucine 157.
Molecular consequence: frameshift variant.
Genome position (GRCh38, 1-based): chr6:137,875,017, G duplicated; the last of 4 consecutive G bases (chr6:137,875,014-137,875,017); duplicating any one gives the same sequence. VCF-style (leftmost placement, unchanged base first): chr6-137875013-C-CG. GRCh37 (hg19) VCF-style: chr6-138196150-C-CG.
Other names: c.468dup, p.Leu157fs (NM_001270507.2, NM_006290.4); short protein forms L157fs.
Identifiers: ClinVar variation 1400308 (VCV001400308.6), dbSNP rs2114478944, ClinGen allele CA2573140553.

ClinVar aggregate classification (germline): Pathogenic (1 of 4 stars; one submission).

Submission:

Labcorp Genetics (formerly Invitae), Labcorp
Classification: Pathogenic. Last evaluated: 2025-07-29. Review status: criteria provided, single submitter. Criteria: Invitae Variant Classification Sherloc (09022015). Collection method: clinical testing. Allele origin: germline.
Comment: This sequence change creates a premature translational stop signal (p.Leu157Alafs*4) in the TNFAIP3 gene. It is expected to result in an absent or disrupted protein product. Loss-of-function variants in TNFAIP3 are known to be pathogenic (PMID: 26642243). This variant is not present in population databases (gnomAD no frequency). This variant has not been reported in the literature in individuals affected with TNFAIP3-related conditions. ClinVar contains an entry for this variant (Variation ID: 1400308). For these reasons, this variant has been classified as Pathogenic.

Literature cited by the submitters: PubMed 26642243.